The following is an entry in ClinVar:

NM_021098.3(CACNA1H):c.843G>A (p.Thr281=)

Gene: CACNA1H (calcium voltage-gated channel subunit alpha1 H; plus strand). Cytogenetic location: 16p13.3.
Variant type: single nucleotide variant.
Coding change: c.843G>A on transcript NM_021098.3 (MANE Select); coding-DNA position 843, G replaced by A.
Protein change: p.Thr281=; no amino-acid change (threonine 281 retained).
Molecular consequence: synonymous variant.
Genome position (GRCh38, 1-based): chr16:1,200,295, G>A. VCF-style: chr16-1200295-G-A. GRCh37 (hg19) VCF-style: chr16-1250295-G-A.
Other names: c.843G>A, p.Thr281= (NM_001005407.2); c.843G>A (NM_021098.2).
Identifiers: ClinVar variation 1665190 (VCV001665190.11), dbSNP rs761655532, ClinGen allele CA7799685.

ClinVar aggregate classification (germline): Likely benign. Review status: criteria provided, multiple submitters, no conflicts (2 of 4 stars). 3 submissions from 3 submitters: Likely benign (2). 1 of the submissions does not count toward it. Last evaluated 2025-03-10.

Conditions:
CACNA1H-related disorder.
Epilepsy, childhood absence, susceptibility to, 6. Identifiers: Orphanet 64280, MedGen C2749872, MONDO:0012763, OMIM 611942.
Hyperaldosteronism, familial, type IV (HALD4). Also called: FH IV; ALDOSTERONISM, PRIMARY, AND HYPERTENSION. Identifiers: Orphanet 642671, MedGen C4310756, MONDO:0014875, OMIM 617027.
Idiopathic generalized epilepsy. Also called: Generalised epilepsy; EIG. Identifiers: MedGen C0270850, MONDO:0005579, OMIM 600669.

Allele frequency attached by ClinVar (database versions not stated): gnomAD 0.00001; ExAC 0.00002; gnomAD exomes 0.00003; TOPMed 0.00010.

Submissions (3):

Labcorp Genetics (formerly Invitae), Labcorp
Classification: Likely benign for Idiopathic generalized epilepsy; Hyperaldosteronism, familial, type IV. Last evaluated: 2025-03-10. Review status: criteria provided, single submitter. Criteria: Invitae Variant Classification Sherloc (09022015). Collection method: clinical testing. Allele origin: germline.

Fulgent Genetics
Classification: Likely benign for Epilepsy, childhood absence, susceptibility to, 6; Hyperaldosteronism, familial, type IV. Last evaluated: 2022-02-03. Review status: criteria provided, single submitter. Criteria: ACMG Guidelines, 2015. Collection method: clinical testing. Allele origin: unknown.

PreventionGenetics, part of Exact Sciences
Classification: Likely benign for CACNA1H-related condition. Last evaluated: 2019-03-21. Review status: no assertion criteria provided. Collection method: clinical testing. Allele origin: germline. Not counted in ClinVar's aggregate classification.
Comment: This variant is classified as likely benign based on ACMG/AMP sequence variant interpretation guidelines (Richards et al. 2015 PMID: 25741868, with internal and published modifications).